The following is an entry in ClinVar:

NM_004698.4(PRPF3):c.508-13C>G

Gene: PRPF3 (pre-mRNA processing factor 3; plus strand). Cytogenetic location: 1q21.2.
Variant type: single nucleotide variant.
Coding change: c.508-13C>G on transcript NM_004698.4 (MANE Select); 13 bases into the intron before coding-DNA position 508, C replaced by G.
Molecular consequence: intron variant.
Genome position (GRCh38, 1-based): chr1:150,332,966, C>G. VCF-style: chr1-150332966-C-G. GRCh37 (hg19) VCF-style: chr1-150305437-C-G.
Other names: c.103-13C>G (NM_001350529.1).
Identifiers: ClinVar variation 932134 (VCV000932134.11), dbSNP rs373033761, ClinGen allele CA1075459.

ClinVar aggregate classification (germline): Conflicting classifications of pathogenicity. Review status: criteria provided, conflicting classifications (1 of 4 stars). 3 submissions from 3 submitters: Uncertain significance (1); Likely benign (2). Last evaluated 2025-01-13.

Conditions:
Retinitis pigmentosa 18 (RP18). Also called: PRPF 3-Related Retinitis Pigmentosa. Identifiers: Orphanet 791, MedGen C1832378, MONDO:0011075, OMIM 601414.

Allele frequency attached by ClinVar (database versions not stated): gnomAD 0.00001; gnomAD exomes 0.00001 and 0.00004; ExAC 0.00002; TOPMed 0.00002; ESP Exome Variant Server 0.00008.
gnomAD v4.1: 55 of 1,606,626 alleles (0.0034%); highest among the groups gnomAD compares: Non-Finnish European, 0.0046%; no homozygotes.

Submissions (3):

Labcorp Genetics (formerly Invitae), Labcorp
Classification: Likely benign. Last evaluated: 2025-01-13. Review status: criteria provided, single submitter. Criteria: Invitae Variant Classification Sherloc (09022015). Collection method: clinical testing. Allele origin: germline.

Blueprint Genetics
Classification: Likely benign. Last evaluated: 2021-12-27. Review status: criteria provided, single submitter. Criteria: ACMG Guidelines, 2015. Collection method: clinical testing. Allele origin: germline.

Centre for Mendelian Genomics, University Medical Centre Ljubljana
Classification: Uncertain significance for Retinitis pigmentosa 18. Last evaluated: 2019-06-21. Review status: criteria provided, single submitter. Criteria: ACMG Guidelines, 2015. Collection method: clinical testing. Allele origin: unknown. Affected: yes.
Comment: This variant was classified as: Uncertain significance. The available evidence on this variant's pathogenicity is insufficient or conflicting. The following ACMG criteria were applied in classifying this variant: BP4.